The following is an entry in ClinVar:

ClinVar aggregate classification (germline): Uncertain significance (1 of 4 stars; one submission).

Conditions:
Hereditary cancer-predisposing syndrome. Also called: Neoplastic Syndromes, Hereditary; Tumor predisposition; Hereditary neoplastic syndrome; Hereditary Cancer Syndrome. Identifiers: Orphanet 140162, MedGen C0027672, MeSH D009386, MONDO:0015356.

Submission:

Ambry Genetics
Classification: Uncertain significance for Hereditary cancer-predisposing syndrome. Last evaluated: 2025-04-10. Review status: criteria provided, single submitter. Criteria: Ambry Variant Classification Scheme 2023. Collection method: clinical testing. Allele origin: germline.
Comment: The c.-3G>A variant is located in the 5' untranslated region (5&rsquo; UTR) of the KIT gene. This variant results from a G to A substitution 3 bases upstream from the first translated codon. This nucleotide position is highly conserved in available vertebrate species. Based on the available evidence, the clinical significance of this variant remains unclear.

NM_000222.3(KIT):c.-3G>A

Gene: KIT (KIT proto-oncogene, receptor tyrosine kinase; plus strand). Cytogenetic location: 4q12.
Variant type: single nucleotide variant.
Coding change: c.-3G>A on transcript NM_000222.3 (MANE Select); 3 bases upstream of the start codon, G replaced by A.
Molecular consequence: 5 prime UTR variant.
Genome position (GRCh38, 1-based): chr4:54,658,012, G>A. VCF-style: chr4-54658012-G-A. GRCh37 (hg19) VCF-style: chr4-55524179-G-A.
Other names: c.-3G>A (NM_001093772.2, NM_001385284.1, NM_001385285.1 and 4 more transcripts).
Identifiers: ClinVar variation 4043735 (VCV004043735.1).